The following is an entry in ClinVar:

ClinVar aggregate classification (germline): Benign. Review status: criteria provided, single submitter (1 of 4 stars). 3 submissions from 1 submitter: Benign (3). Last evaluated 2018-01-13.

Conditions:
Hypoplastic left heart syndrome 1 (HLHS1). Identifiers: Orphanet 2248, MedGen C4551854, MONDO:0009433, OMIM 241550.
Oculodentodigital dysplasia (ODDD). Also called: ODD SYNDROME; Oculodentodigital syndrome. Identifiers: Orphanet 2710, MedGen C0812437, MONDO:0008111, OMIM 164200.
Syndactyly type 3 (SDTY3). Also called: RING AND LITTLE FINGER SYNDACTYLY; SYNDACTYLY OF FINGERS IV AND V. Identifiers: Orphanet 93404, MedGen C1861366, MONDO:0008514, OMIM 186100.

Allele frequency attached by ClinVar (database versions not stated): 1000 Genomes Project 0.03874; 1000 Genomes Project 30x 0.03951; TOPMed 0.07653; gnomAD 0.07847 and 0.08165; gnomAD exomes 0.09946.
gnomAD v4.1: 13,547 of 167,186 alleles (8.1%); highest among the groups gnomAD compares: Non-Finnish European, 12%; 781 homozygotes.

Submissions (3):

Illumina Laboratory Services, Illumina
Classification: Benign for Hypoplastic left heart syndrome 1. Last evaluated: 2018-01-13. Review status: criteria provided, single submitter. Criteria: ICSL Variant Classification Criteria 13 December 2019. Collection method: clinical testing. Allele origin: germline.
Comment: This variant was observed in the ICSL laboratory as part of a predisposition screen in an ostensibly healthy population. It had not been previously curated by ICSL or reported in the Human Gene Mutation Database (HGMD: prior to June 1st, 2018), and was therefore a candidate for classification through an automated scoring system. Utilizing variant allele frequency, disease prevalence and penetrance estimates, and inheritance mode, an automated score was calculated to assess if this variant is too frequent to cause the disease. Based on the score and internal cut-off values, a variant classified as benign is not then subjected to further curation. The score for this variant resulted in a classification of benign for this disease.

Illumina Laboratory Services, Illumina
Classification: Benign for Syndactyly type 3. Last evaluated: 2018-01-13. Review status: criteria provided, single submitter. Criteria: ICSL Variant Classification Criteria 13 December 2019. Collection method: clinical testing. Allele origin: germline.
Comment: the same text as in the submission from Illumina Laboratory Services, Illumina above.

Illumina Laboratory Services, Illumina
Classification: Benign for Oculodentodigital dysplasia. Last evaluated: 2018-01-13. Review status: criteria provided, single submitter. Criteria: ICSL Variant Classification Criteria 13 December 2019. Collection method: clinical testing. Allele origin: germline.
Comment: the same text as in the submission from Illumina Laboratory Services, Illumina above.

NM_000165.5(GJA1):c.*1322A>T

Gene: GJA1 (gap junction protein alpha 1; plus strand). Cytogenetic location: 6q22.31.
Variant type: single nucleotide variant.
Coding change: c.*1322A>T on transcript NM_000165.5 (MANE Select); 1322 bases downstream of the stop codon, A replaced by T.
Molecular consequence: 3 prime UTR variant.
Genome position (GRCh38, 1-based): chr6:121,449,318, A>T. VCF-style: chr6-121449318-A-T. GRCh37 (hg19) VCF-style: chr6-121770464-A-T.
Identifiers: ClinVar variation 355186 (VCV000355186.5), dbSNP rs12212865, ClinGen allele CA10625713.